The following is an entry in ClinVar:

NM_000057.4(BLM):c.641A>G (p.Glu214Gly)

Gene: BLM (BLM RecQ like helicase; plus strand). Cytogenetic location: 15q26.1.
Variant type: single nucleotide variant.
Coding change: c.641A>G on transcript NM_000057.4 (MANE Select); coding-DNA position 641, A replaced by G.
Protein change: p.Glu214Gly; replaces glutamic acid 214 with glycine.
Molecular consequence: missense variant. On other transcripts: 5 prime UTR variant (1).
Genome position (GRCh38, 1-based): chr15:90,749,909, A>G. VCF-style: chr15-90749909-A-G. GRCh37 (hg19) VCF-style: chr15-91293139-A-G.
Other names: c.641A>G, p.Glu214Gly (NM_001287246.2, NM_001287247.2); c.-651A>G (NM_001287248.2); c.641A>G (NM_000057.2); short protein forms E214G.
Identifiers: ClinVar variation 948370 (VCV000948370.11), dbSNP rs1230930956, ClinGen allele CA393841230.

ClinVar aggregate classification (germline): Uncertain significance. Review status: criteria provided, multiple submitters, no conflicts (2 of 4 stars). 2 submissions from 2 submitters: Uncertain significance (2). Last evaluated 2024-02-16.

Conditions:
Bloom syndrome (BLM). Also called: Bloom-Torre-Machacek syndrome. Identifiers: Orphanet 125, MedGen C0005859, MONDO:0008876, OMIM 210900.
Hereditary cancer-predisposing syndrome. Also called: Hereditary neoplastic syndrome; Neoplastic Syndromes, Hereditary; Tumor predisposition; Hereditary Cancer Syndrome. Identifiers: Orphanet 140162, MedGen C0027672, MeSH D009386, MONDO:0015356.

Allele frequency attached by ClinVar (database versions not stated): gnomAD exomes below 0.00001 and 0.00001.
gnomAD v4.1: 5 of 1,613,072 alleles (0.00031%); highest among the groups gnomAD compares: Non-Finnish European, 0.00042%; no homozygotes.

Submissions (2):

Ambry Genetics
Classification: Uncertain significance for Hereditary cancer-predisposing syndrome. Last evaluated: 2024-02-16. Review status: criteria provided, single submitter. Criteria: Ambry Variant Classification Scheme 2023. Collection method: clinical testing. Allele origin: germline.
Comment: The p.E214G variant (also known as c.641A>G), located in coding exon 2 of the BLM gene, results from an A to G substitution at nucleotide position 641. The glutamic acid at codon 214 is replaced by glycine, an amino acid with similar properties. This amino acid position is conserved. In addition, this alteration is predicted to be tolerated by in silico analysis. Based on the available evidence, the clinical significance of this alteration remains unclear.

Labcorp Genetics (formerly Invitae), Labcorp
Classification: Uncertain significance for Bloom syndrome. Last evaluated: 2019-04-17. Review status: criteria provided, single submitter. Criteria: Invitae Variant Classification Sherloc (09022015). Collection method: clinical testing. Allele origin: germline.
Comment: This sequence change replaces glutamic acid with glycine at codon 214 of the BLM protein (p.Glu214Gly). The glutamic acid residue is weakly conserved and there is a moderate physicochemical difference between glutamic acid and glycine. This variant is not present in population databases (ExAC no frequency). This variant has not been reported in the literature in individuals with BLM-related conditions. Algorithms developed to predict the effect of missense changes on protein structure and function (SIFT, PolyPhen-2, Align-GVGD) all suggest that this variant is likely to be tolerated, but these predictions have not been confirmed by published functional studies and their clinical significance is uncertain. In summary, the available evidence is currently insufficient to determine the role of this variant in disease. Therefore, it has been classified as a Variant of Uncertain Significance.